The following is an entry in ClinVar:

NM_001144758.3(PHLDB1):c.2814C>T (p.Pro938=)

Gene: PHLDB1 (pleckstrin homology like domain family B member 1; plus strand). Cytogenetic location: 11q23.3.
Variant type: single nucleotide variant.
Coding change: c.2814C>T on transcript NM_001144758.3 (MANE Select); coding-DNA position 2814, C replaced by T.
Protein change: p.Pro938=; no amino-acid change (proline 938 retained).
Molecular consequence: synonymous variant. On other transcripts: intron variant (1).
Genome position (GRCh38, 1-based): chr11:118,642,331, C>T. VCF-style: chr11-118642331-C-T. GRCh37 (hg19) VCF-style: chr11-118513049-C-T.
Other names: c.2814C>T, p.Pro938= (NM_015157.4); c.2737-1469C>T (NM_001144759.3).
Identifiers: ClinVar variation 5040824 (VCV005040824.1).

ClinVar aggregate classification (germline): Likely benign (1 of 4 stars; one submission).

gnomAD v4.1: 2,001 of 1,612,212 alleles (0.12%); highest among the groups gnomAD compares: Non-Finnish European, 0.14%; 3 homozygotes.

Submission:

CeGaT Center for Human Genetics Tuebingen
Classification: Likely benign. Last evaluated: 2026-09-01. Review status: criteria provided, single submitter. Criteria: CeGaT Center For Human Genetics Tuebingen Variant Classification Criteria Version 2. Collection method: clinical testing. Allele origin: germline. Affected: yes. Observed: 1 variant allele.
Comment: PHLDB1: BP4, BP7